The following is an entry in ClinVar:

NM_024753.5(TTC21B):c.550A>G (p.Lys184Glu)

Genes: TTC21B (tetratricopeptide repeat domain 21B; minus strand), TTC21B-AS1 (TTC21B antisense RNA 1; plus strand). Cytogenetic location: 2q24.3.
Variant type: single nucleotide variant.
Coding change: c.550A>G on transcript NM_024753.5 (MANE Select); coding-DNA position 550, A replaced by G.
Protein change: p.Lys184Glu; replaces lysine 184 with glutamic acid.
Molecular consequence: missense variant.
Genome position (GRCh38, 1-based): chr2:165,943,221, T>C on the plus strand (A>G on the coding strand, the complement: TTC21B is on the minus strand). VCF-style: chr2-165943221-T-C. GRCh37 (hg19) VCF-style: chr2-166799731-T-C.
Other names: c.550A>G (NM_024753.4); short protein forms K184E.
Identifiers: ClinVar variation 1386988 (VCV001386988.7), dbSNP rs748570902, ClinGen allele CA1942410.
Genomic context (GRCh38, chr2:165,943,221, plus strand): 5'-TCAAATATATTATGAATATATTTTGAAACATGATTTATTTACCCTAACTCCAACTCACCT[T>C]ACCCAGCAGAGCAAAAGTATCATTCCCATCTTGGAGTCCCTCTTCAAAATACTTCAGTGC-3'
Protein context (NP_079029.3, residues 174-194): DGNDTFALLG[Lys184Glu]AQCLEMRQNY

ClinVar aggregate classification (germline): Uncertain significance. Review status: criteria provided, multiple submitters, no conflicts (2 of 4 stars). 2 submissions from 2 submitters: Uncertain significance (2). Last evaluated 2026-03-11.

Conditions:
Nephronophthisis. Also called: Juvenile Nephronophthisis. Identifiers: Orphanet 655, MedGen C0687120, MONDO:0019005, HP:0000090.
Jeune thoracic dystrophy. Also called: Jeune syndrome; Infantile thoracic dystrophy; Thoracic pelvic phalangeal dystrophy; Jeune's syndrome; Chondroectodermal dysplasia-like syndrome; Short-rib thoracic dysplasia. Identifiers: Orphanet 474, MedGen C0265275, MONDO:0018770.
TTC21B-related disorder. Also called: TTC21B-related disorders; TTC21B-related condition.

Allele frequency attached by ClinVar (database versions not stated): ExAC 0.00001; gnomAD exomes 0.00001.
gnomAD v4.1: 9 of 1,613,612 alleles (0.00056%); highest among the groups gnomAD compares: Non-Finnish European, 0.00076%; no homozygotes.

Submissions (2):

PreventionGenetics, part of Exact Sciences
Classification: Uncertain significance for TTC21B-related condition. Last evaluated: 2026-03-11. Review status: criteria provided, single submitter. Criteria: ACMG Guidelines, 2015. Collection method: clinical testing. Allele origin: germline.
Comment: The TTC21B c.550A>G variant is predicted to result in the amino acid substitution p.Lys184Glu. To our knowledge, this variant has not been reported in the literature. This variant is reported in 0.0018% of alleles in individuals of European (Non-Finnish) descent in gnomAD. At this time, the clinical significance of this variant is uncertain due to the absence of conclusive functional and genetic evidence.

Labcorp Genetics (formerly Invitae), Labcorp
Classification: Uncertain significance for Jeune thoracic dystrophy; Nephronophthisis. Last evaluated: 2021-08-08. Review status: criteria provided, single submitter. Criteria: Invitae Variant Classification Sherloc (09022015). Collection method: clinical testing. Allele origin: germline.
Comment: In summary, the available evidence is currently insufficient to determine the role of this variant in disease. Therefore, it has been classified as a Variant of Uncertain Significance. Algorithms developed to predict the effect of missense changes on protein structure and function are either unavailable or do not agree on the potential impact of this missense change (SIFT: "Deleterious"; PolyPhen-2: "Probably Damaging"; Align-GVGD: "Class C0"). This sequence change replaces lysine with glutamic acid at codon 184 of the TTC21B protein (p.Lys184Glu). The lysine residue is moderately conserved and there is a small physicochemical difference between lysine and glutamic acid. This variant is present in population databases (rs748570902, ExAC 0.002%). This variant has not been reported in the literature in individuals affected with TTC21B-related conditions.